The following is an entry in ClinVar:

ClinVar aggregate classification (germline): Uncertain significance (1 of 4 stars; one submission).

gnomAD v4.1: 1 of 1,613,944 alleles (0.000062%); highest among the groups gnomAD compares: Non-Finnish European, 0.000085%; no homozygotes.

Submission:

Ambry Genetics
Classification: Uncertain significance. Last evaluated: 2024-09-06. Review status: criteria provided, single submitter. Criteria: Ambry Variant Classification Scheme 2023. Collection method: clinical testing. Allele origin: germline.
Comment: The p.R1610P variant (also known as c.4829G>C), located in coding exon 43 of the KIF1B gene, results from a G to C substitution at nucleotide position 4829. The arginine at codon 1610 is replaced by proline, an amino acid with dissimilar properties. This amino acid position is conserved. In addition, this alteration is predicted to be tolerated by in silico analysis. Based on the available evidence, the clinical significance of this variant remains unclear.

NM_001365951.3(KIF1B):c.4967G>C (p.Arg1656Pro)

Gene: KIF1B (kinesin family member 1B; plus strand). Cytogenetic location: 1p36.22.
Variant type: single nucleotide variant.
Coding change: c.4967G>C on transcript NM_001365951.3 (MANE Select); coding-DNA position 4967, G replaced by C.
Protein change: p.Arg1656Pro; replaces arginine 1656 with proline.
Molecular consequence: missense variant.
Genome position (GRCh38, 1-based): chr1:10,374,336, G>C. VCF-style: chr1-10374336-G-C. GRCh37 (hg19) VCF-style: chr1-10434394-G-C.
Other names: c.4967G>C, p.Arg1656Pro (NM_001365952.1); c.4829G>C, p.Arg1610Pro (NM_015074.3); short protein forms R1656P, R1610P.
Identifiers: ClinVar variation 3533876 (VCV003533876.1).